The following is an entry in ClinVar:

NM_006612.6(KIF1C):c.447C>T (p.Ile149=)

Gene: KIF1C (kinesin family member 1C; plus strand). Cytogenetic location: 17p13.2.
Variant type: single nucleotide variant.
Coding change: c.447C>T on transcript NM_006612.6 (MANE Select); coding-DNA position 447, C replaced by T.
Protein change: p.Ile149=; no amino-acid change (isoleucine 149 retained).
Molecular consequence: synonymous variant.
Genome position (GRCh38, 1-based): chr17:5,002,481, C>T. VCF-style: chr17-5002481-C-T. GRCh37 (hg19) VCF-style: chr17-4905776-C-T.
Identifiers: ClinVar variation 808200 (VCV000808200.46), dbSNP rs767820925, ClinGen allele CA8318574.
Genomic context (GRCh38, chr17:5,002,481, plus strand): 5'-TTTTTGCTAGTTTTGTTACTTCTCATTTGCTTCTCCCACTCAGGTGAGCTATATGGAGAT[C>T]TACTGTGAGCGGGTACGAGACCTCTTGAACCCCAAGAGTCGGGGTTCTCTGCGGGTCCGG-3'
Protein context (NP_006603.2, residues 139-159): SYSVEVSYME[Ile149=]YCERVRDLLN

ClinVar aggregate classification (germline): Likely benign. Review status: criteria provided, multiple submitters, no conflicts (2 of 4 stars). 2 submissions from 2 submitters: Likely benign (2). Last evaluated 2026-09-01.

Conditions:
Spastic ataxia 2. Also called: Ataxia, spastic, 2, autosomal recessive. Identifiers: Orphanet 397946, MedGen C1969796, MONDO:0012651, OMIM 611302.

Allele frequency attached by ClinVar (database versions not stated): ExAC 0.00004; gnomAD 0.00009 and 0.00010; TOPMed 0.00011.
gnomAD v4.1: 147 of 1,603,100 alleles (0.0092%); highest among the groups gnomAD compares: Admixed American, 0.017%; no homozygotes.

Submissions (2):

CeGaT Center for Human Genetics Tuebingen
Classification: Likely benign. Last evaluated: 2026-09-01. Review status: criteria provided, single submitter. Criteria: CeGaT Center For Human Genetics Tuebingen Variant Classification Criteria Version 2. Collection method: clinical testing. Allele origin: germline. Affected: yes. Observed: 3 variant alleles.
Comment: KIF1C: BP4, BP7

Labcorp Genetics (formerly Invitae), Labcorp
Classification: Likely benign for Spastic ataxia 2. Last evaluated: 2024-11-04. Review status: criteria provided, single submitter. Criteria: Invitae Variant Classification Sherloc (09022015). Collection method: clinical testing. Allele origin: germline.